The following is an entry in ClinVar:

NM_000179.3(MSH6):c.4052A>G (p.His1351Arg)

Gene: MSH6 (mutS homolog 6; plus strand). Cytogenetic location: 2p16.3.
Variant type: single nucleotide variant.
Coding change: c.4052A>G on transcript NM_000179.3 (MANE Select); coding-DNA position 4052, A replaced by G.
Protein change: p.His1351Arg; replaces histidine 1351 with arginine.
Molecular consequence: missense variant.
Genome position (GRCh38, 1-based): chr2:47,806,829, A>G. VCF-style: chr2-47806829-A-G. GRCh37 (hg19) VCF-style: chr2-48033968-A-G.
Other names: c.3662A>G, p.His1221Arg (NM_001281492.2); c.3146A>G, p.His1049Arg (NM_001281493.2, NM_001281494.2); short protein forms H1351R, H1049R, H1221R.
Identifiers: ClinVar variation 485857 (VCV000485857.23), dbSNP rs1325140069, ClinGen allele CA346761720.

ClinVar aggregate classification (germline): Conflicting classifications of pathogenicity. Review status: criteria provided, conflicting classifications (1 of 4 stars). 5 submissions from 5 submitters: Uncertain significance (4); Likely benign (1). Last evaluated 2025-10-23.

Conditions:
Hereditary nonpolyposis colorectal neoplasms. Identifiers: MedGen C0009405, MeSH D003123.
Hereditary cancer-predisposing syndrome. Also called: Tumor predisposition; Hereditary Cancer Syndrome; Neoplastic Syndromes, Hereditary; Hereditary neoplastic syndrome. Identifiers: Orphanet 140162, MedGen C0027672, MeSH D009386, MONDO:0015356.

Allele frequency attached by ClinVar (database versions not stated): gnomAD exomes below 0.00001; TOPMed below 0.00001.
gnomAD v4.1: 3 of 1,612,124 alleles (0.00019%); highest among the groups gnomAD compares: Middle Eastern, 0.017%; no homozygotes.

Submissions (5):

Labcorp Genetics (formerly Invitae), Labcorp
Classification: Likely benign for Hereditary nonpolyposis colorectal neoplasms. Last evaluated: 2025-10-23. Review status: criteria provided, single submitter. Criteria: Invitae Variant Classification Sherloc (09022015). Collection method: clinical testing. Allele origin: germline.

Ambry Genetics
Classification: Uncertain significance for Hereditary cancer-predisposing syndrome. Last evaluated: 2025-06-02. Review status: criteria provided, single submitter. Criteria: Ambry Variant Classification Scheme 2023. Collection method: clinical testing. Allele origin: germline.
Comment: The p.H1351R variant (also known as c.4052A>G), located in coding exon 10 of the MSH6 gene, results from an A to G substitution at nucleotide position 4052. The histidine at codon 1351 is replaced by arginine, an amino acid with highly similar properties. This amino acid position is not well conserved in available vertebrate species. In addition, this alteration is predicted to be tolerated by in silico analysis. Since supporting evidence is limited at this time, the clinical significance of this alteration remains unclear.

Color Diagnostics, LLC DBA Color Health
Classification: Uncertain significance for Hereditary cancer-predisposing syndrome. Last evaluated: 2023-12-05. Review status: criteria provided, single submitter. Criteria: ACMG Guidelines, 2015. Collection method: clinical testing. Allele origin: germline.
Comment: This missense variant replaces histidine with arginine at codon 1351 of the MSH6 protein. Computational prediction suggests that this variant may not impact protein structure and function (internally defined REVEL score threshold <= 0.5, PMID: 27666373). To our knowledge, functional studies have not been reported for this variant. This variant has not been reported in individuals affected with MSH6-related disorders in the literature. This variant has been identified in 1/251004 chromosomes in the general population by the Genome Aggregation Database (gnomAD). The available evidence is insufficient to determine the role of this variant in disease conclusively. Therefore, this variant is classified as a Variant of Uncertain Significance.

Blueprint Genetics
Classification: Uncertain significance. Last evaluated: 2023-09-16. Review status: criteria provided, single submitter. Criteria: ACMG Guidelines, 2015. Collection method: clinical testing. Allele origin: germline.

Revvity Omics, Revvity
Classification: Uncertain significance. Last evaluated: 2021-10-08. Review status: criteria provided, single submitter. Criteria: ACMG Guidelines, 2015. Collection method: clinical testing. Allele origin: germline.